The following is an entry in ClinVar:

NM_000179.3(MSH6):c.741A>C (p.Lys247Asn)

Gene: MSH6 (mutS homolog 6; plus strand). Cytogenetic location: 2p16.3.
Variant type: single nucleotide variant.
Coding change: c.741A>C on transcript NM_000179.3 (MANE Select); coding-DNA position 741, A replaced by C.
Protein change: p.Lys247Asn; replaces lysine 247 with asparagine.
Molecular consequence: missense variant. On other transcripts: 5 prime UTR variant (2).
Genome position (GRCh38, 1-based): chr2:47,798,724, A>C. VCF-style: chr2-47798724-A-C. GRCh37 (hg19) VCF-style: chr2-48025863-A-C.
Other names: c.351A>C, p.Lys117Asn (NM_001281492.2); c.-166A>C (NM_001281493.2, NM_001281494.2); short protein forms K117N, K247N.
Identifiers: ClinVar variation 827032 (VCV000827032.4), dbSNP rs1572720176, ClinGen allele CA346740088.

ClinVar aggregate classification (germline): Uncertain significance (1 of 4 stars; one submission).

Conditions:
Hereditary cancer-predisposing syndrome. Also called: Neoplastic Syndromes, Hereditary; Tumor predisposition; Hereditary neoplastic syndrome; Hereditary Cancer Syndrome. Identifiers: Orphanet 140162, MedGen C0027672, MeSH D009386, MONDO:0015356.

Submission:

Ambry Genetics
Classification: Uncertain significance for Hereditary cancer-predisposing syndrome. Last evaluated: 2019-01-24. Review status: criteria provided, single submitter. Criteria: Ambry Variant Classification Scheme 2023. Collection method: clinical testing. Allele origin: germline.
Comment: The p.K247N variant (also known as c.741A>C), located in coding exon 4 of the MSH6 gene, results from an A to C substitution at nucleotide position 741. The lysine at codon 247 is replaced by asparagine, an amino acid with similar properties. This amino acid position is not well conserved in available vertebrate species. In addition, the in silico prediction for this alteration is inconclusive. In addition, the CoDP in silico tool predicts this alteration to have minor impact on molecular function, with a score of 0.000 (Terui H et al. J. Biomed. Sci. 2013 Apr;20:25). Since supporting evidence is limited at this time, the clinical significance of this alteration remains unclear.